The following is an entry in ClinVar:

ClinVar aggregate classification (germline): Conflicting classifications of pathogenicity. Review status: criteria provided, conflicting classifications (1 of 4 stars). 3 submissions from 3 submitters: Likely pathogenic (2); Uncertain significance (1). Last evaluated 2022-06-29.

Conditions:
GATA2 deficiency with susceptibility to MDS/AML. Identifiers: MedGen CN300066, MONDO:0042982.
Deafness-lymphedema-leukemia syndrome. Also called: Lymphedema, primary, with myelodysplasia; Emberger syndrome. Identifiers: Orphanet 3226, MedGen C3279664, MONDO:0013540, OMIM 614038.
Acute myeloid leukemia (AML). Also called: Leukemia, acute myeloid, somatic; Leukemia, acute myelogenous, somatic; Acute myeloid leukemia, adult; AML adult; Acute non-lymphocytic leukemia; Acute granulocytic leukemia. Identifiers: Orphanet 519, MedGen C0023467, MeSH D015470, MONDO:0018874, OMIM 601626, HP:0004808. Disease mechanism: Constitutively activated FLT3.

Submissions (3):

GeneDx
Classification: Uncertain significance. Last evaluated: 2022-06-29. Review status: criteria provided, single submitter. Criteria: GeneDx Variant Classification Process June 2021. Collection method: clinical testing. Allele origin: germline. Affected: yes.
Comment: Not observed at significant frequency in large population cohorts (gnomAD); Frameshift variant predicted to result in protein truncation as the last 39 amino acids are replaced with 94 different amino acids, although loss-of-function variants have not been reported downstream of this position in the protein; Has not been previously published as pathogenic or benign to our knowledge

Molecular Pathology Research Laboratory, SA Pathology
Classification: Likely pathogenic for GATA2 deficiency with susceptibility to MDS/AML; Deafness-lymphedema-leukemia syndrome. Last evaluated: 2021-07-06. Review status: criteria provided, single submitter. Criteria: ACMG Guidelines, 2015. Collection method: curation. Allele origin: unknown. Inheritance: Autosomal dominant inheritance. Affected: yes. Observed: 1 variant allele.
Comment: PVS1_Moderate, PS4_Supporting, PM2

Genetics and Molecular Pathology, SA Pathology
Classification: Likely pathogenic for Acute myeloid leukemia. Last evaluated: 2020-02-27. Review status: criteria provided, single submitter. Criteria: ACMG Guidelines, 2015. Collection method: clinical testing. Allele origin: germline. Inheritance: Autosomal dominant inheritance. Affected: yes.
Comment: The GATA2:c.1322_1325dup variant is a four base duplication which introduces a frameshift at position 442 in the protein. The variant has not been described in the literature to date and is absent from population databases (PM2). The variant is not present in ClinVar or HGMD (2019.4). This frameshift variant is in exon 6 of 6 and leads extension of the reading frame by 55 amino acids, introducing a termination codon 94 amino acids downstream from the duplication site. This is predicted to have a detrimental effect on the resulting protein and disrupt the C-terminal domain. In addition, a missense variant, p.Ser447Arg, has been reported downstream of this variant in association with disease (PMID: 26702063). However, in the absence of functional or segregation studies, the effect on the resulting protein and clinical significance is uncertain. The GATA2:c.1322_1325dup variant is classified as a Variant of Uncertain Clinical Significance (VUS) (PM2).

Literature cited by the submitters: PubMed 26702063 (cited by Genetics and Molecular Pathology, SA Pathology).

NM_032638.5(GATA2):c.1322_1325dup (p.His442fs)

Gene: GATA2 (GATA binding protein 2; minus strand). Cytogenetic location: 3q21.3.
Variant type: Duplication.
Coding change: c.1322_1325dup on transcript NM_032638.5 (MANE Select); coding-DNA positions 1322 to 1325, 4 bases duplicated (GCCA; older notation c.1322_1325dupGCCA).
Protein change: p.His442fs; shifts the reading frame from histidine 442.
Molecular consequence: frameshift variant.
Genome position (GRCh38, 1-based): chr3:128,481,137-128,481,140, TGGC duplicated on the plus strand (GCCA on the coding strand, the reverse complement: GATA2 is on the minus strand). VCF-style (leftmost placement, unchanged base first): chr3-128481136-G-GTGGC. GRCh37 (hg19) VCF-style: chr3-128199979-G-GTGGC.
Other names: c.1322_1325dup, p.His442fs (NM_001145661.2); c.1280_1283dup, p.His428fs (NM_001145662.1); c.1322_1325dupGCCA (NM_001145661.1); c.1322_1325dup (NM_032638.4); short protein forms H428fs, H442fs.
Identifiers: ClinVar variation 1184016 (VCV001184016.3), dbSNP rs2107667819, ClinGen allele CA915940816.